The following is an entry in ClinVar:

ClinVar aggregate classification (germline): Uncertain significance. Review status: criteria provided, multiple submitters, no conflicts (2 of 4 stars). 3 submissions from 3 submitters: Uncertain significance (3). Last evaluated 2025-12-23.

Conditions:
ASPM-related disorder. Also called: ASPM-related condition.
Inborn genetic diseases. Identifiers: MedGen C0950123, MeSH D030342.

Submissions (3):

Labcorp Genetics (formerly Invitae), Labcorp
Classification: Uncertain significance. Last evaluated: 2025-12-23. Review status: criteria provided, single submitter. Criteria: Invitae Variant Classification Sherloc (09022015). Collection method: clinical testing. Allele origin: germline.
Comment: This sequence change replaces methionine, which is neutral and non-polar, with valine, which is neutral and non-polar, at codon 1726 of the ASPM protein (p.Met1726Val). This variant is present in population databases (rs559041874, gnomAD 0.03%). This variant has not been reported in the literature in individuals affected with ASPM-related conditions. ClinVar contains an entry for this variant (Variation ID: 3437002). Invitae Evidence Modeling of protein sequence and biophysical properties (such as structural, functional, and spatial information, amino acid conservation, physicochemical variation, residue mobility, and thermodynamic stability) indicates that this missense variant is not expected to disrupt ASPM protein function with a negative predictive value of 80%. In summary, the available evidence is currently insufficient to determine the role of this variant in disease. Therefore, it has been classified as a Variant of Uncertain Significance.

PreventionGenetics, part of Exact Sciences
Classification: Uncertain significance for ASPM-related condition. Last evaluated: 2025-07-03. Review status: criteria provided, single submitter. Criteria: ACMG Guidelines, 2015. Collection method: clinical testing. Allele origin: germline.
Comment: The ASPM c.5176A>G variant is predicted to result in the amino acid substitution p.Met1726Val. To our knowledge, this variant has not been reported in the literature. This variant is reported in 0.036% of alleles in individuals of South Asian descent in gnomAD. At this time, the clinical significance of this variant is uncertain due to the absence of conclusive functional and genetic evidence.

Ambry Genetics
Classification: Uncertain significance for Inborn genetic diseases. Last evaluated: 2024-07-02. Review status: criteria provided, single submitter. Criteria: Ambry Variant Classification Scheme 2023. Collection method: clinical testing. Allele origin: germline.

NM_018136.5(ASPM):c.5176A>G (p.Met1726Val)

Gene: ASPM (assembly factor for spindle microtubules; minus strand). Cytogenetic location: 1q31.3.
Variant type: single nucleotide variant.
Coding change: c.5176A>G on transcript NM_018136.5 (MANE Select); coding-DNA position 5176, A replaced by G.
Protein change: p.Met1726Val; replaces methionine 1726 with valine.
Molecular consequence: missense variant. On other transcripts: intron variant (1).
Genome position (GRCh38, 1-based): chr1:197,104,075, T>C on the plus strand (A>G on the coding strand, the complement: ASPM is on the minus strand). VCF-style: chr1-197104075-T-C. GRCh37 (hg19) VCF-style: chr1-197073205-T-C.
Other names: c.4066-7911A>G (NM_001206846.2); short protein forms M1726V.
Identifiers: ClinVar variation 3437002 (VCV003437002.3).
Genomic context (GRCh38, chr1:197,104,075, plus strand): 5'-TTCGGACAAGGTATCCTCTAACAAATGCTTGCAGTTTGATACAAGATTCCCGCATCTGCA[T>C]ATACTCTTCTCTCTTTTGTGCAGCTATTTTTTTGGAACGGTAACATTGCTGGATAAATAG-3'
Protein context (NP_060606.3, residues 1716-1736): KIAAQKREEY[Met1726Val]QMRESCIKLQ